The following is an entry in ClinVar:

NM_001244008.2(KIF1A):c.3578T>A (p.Val1193Glu)

Gene: KIF1A (kinesin family member 1A; minus strand). Cytogenetic location: 2q37.3.
Variant type: single nucleotide variant.
Coding change: c.3578T>A on transcript NM_001244008.2 (MANE Select); coding-DNA position 3578, T replaced by A.
Protein change: p.Val1193Glu; replaces valine 1193 with glutamic acid.
Molecular consequence: missense variant.
Genome position (GRCh38, 1-based): chr2:240,743,948, A>T on the plus strand (T>A on the coding strand, the complement: KIF1A is on the minus strand). VCF-style: chr2-240743948-A-T. GRCh37 (hg19) VCF-style: chr2-241683365-A-T.
Other names: c.3302T>A, p.Val1101Glu (NM_001320705.2, NM_001330289.2, NM_001379638.1); c.3377T>A, p.Val1126Glu (NM_001330290.2, NM_001379634.1, NM_001379635.1 and 1 more transcripts); c.3653T>A, p.Val1218Glu (NM_001379631.1); c.3527T>A, p.Val1176Glu (NM_001379632.1); c.3551T>A, p.Val1184Glu (NM_001379633.1, NM_001379642.1, NM_001379645.1); c.3275T>A, p.Val1092Glu (NM_001379636.1, NM_001379639.1, NM_001379641.1 and 5 more transcripts); c.3350T>A, p.Val1117Glu (NM_001379637.1, NM_001379648.1); c.3272T>A, p.Val1091Glu (NM_001379640.1); short protein forms V1091E, V1184E, V1218E, V1117E, V1176E, V1092E, V1101E, V1126E.
Identifiers: ClinVar variation 4788410 (VCV004788410.1).

ClinVar aggregate classification (germline): Uncertain significance (1 of 4 stars; one submission).

Conditions:
Neuropathy, hereditary sensory, type 2C. Also called: KIF1A-Related HSAN2 (HSAN2C); Hereditary sensory and autonomic neuropathy type IIC. Identifiers: Orphanet 970, MedGen C3280168, MONDO:0013634, OMIM 614213.
Hereditary spastic paraplegia 30. Identifiers: Orphanet 101010, MedGen C5235139, MONDO:0012476.
Intellectual disability, autosomal dominant 9 (NESCAVS). Also called: KIF1A-Related Neurodevelopmental Disorder; NESCAV SYNDROME. Identifiers: Orphanet 662367, MedGen C5393830, MONDO:0013656, OMIM 614255.

Submission:

Labcorp Genetics (formerly Invitae), Labcorp
Classification: Uncertain significance for Hereditary spastic paraplegia 30; Neuropathy, hereditary sensory, type 2C; Intellectual disability, autosomal dominant 9. Last evaluated: 2025-03-11. Review status: criteria provided, single submitter. Criteria: Invitae Variant Classification Sherloc (09022015). Collection method: clinical testing. Allele origin: germline.
Comment: This sequence change replaces valine, which is neutral and non-polar, with glutamic acid, which is acidic and polar, at codon 1092 of the KIF1A protein (p.Val1092Glu). This variant is not present in population databases (gnomAD no frequency). This variant has not been reported in the literature in individuals affected with KIF1A-related conditions. Invitae Evidence Modeling of protein sequence and biophysical properties (such as structural, functional, and spatial information, amino acid conservation, physicochemical variation, residue mobility, and thermodynamic stability) indicates that this missense variant is not expected to disrupt KIF1A protein function with a negative predictive value of 95%. In summary, the available evidence is currently insufficient to determine the role of this variant in disease. Therefore, it has been classified as a Variant of Uncertain Significance.